The following is an entry in ClinVar:

ClinVar aggregate classification (germline): Likely benign. Review status: criteria provided, multiple submitters, no conflicts (2 of 4 stars). 3 submissions from 3 submitters: Likely benign (2). 1 of the submissions does not count toward it. Last evaluated 2025-06-03.

Conditions:
ERCC6-related disorder. Also called: ERCC6-related disorders; ERCC6-related condition. Identifiers: MedGen CN239385.

Allele frequency attached by ClinVar (database versions not stated): ExAC 0.00001.
gnomAD v4.1: 48 of 1,614,076 alleles (0.003%); highest among the groups gnomAD compares: Non-Finnish European, 0.0038%; no homozygotes.

Submissions (3):

Labcorp Genetics (formerly Invitae), Labcorp
Classification: Likely benign. Last evaluated: 2025-06-03. Review status: criteria provided, single submitter. Criteria: Invitae Variant Classification Sherloc (09022015). Collection method: clinical testing. Allele origin: germline.

Blueprint Genetics
Classification: Likely benign. Last evaluated: 2020-06-22. Review status: criteria provided, single submitter. Criteria: ACMG Guidelines, 2015. Collection method: clinical testing. Allele origin: germline.

PreventionGenetics, part of Exact Sciences
Classification: Likely benign for ERCC6-related condition. Last evaluated: 2019-05-06. Review status: no assertion criteria provided. Collection method: clinical testing. Allele origin: germline. Not counted in ClinVar's aggregate classification.
Comment: This variant is classified as likely benign based on ACMG/AMP sequence variant interpretation guidelines (Richards et al. 2015 PMID: 25741868, with internal and published modifications).

NM_000124.4(ERCC6):c.4152C>G (p.Leu1384=)

Gene: ERCC6 (ERCC excision repair 6, chromatin remodeling factor; minus strand). Cytogenetic location: 10q11.23.
Variant type: single nucleotide variant.
Coding change: c.4152C>G on transcript NM_000124.4 (MANE Select); coding-DNA position 4152, C replaced by G.
Protein change: p.Leu1384=; no amino-acid change (leucine 1384 retained).
Molecular consequence: synonymous variant.
Genome position (GRCh38, 1-based): chr10:49,459,145, G>C on the plus strand (C>G on the coding strand, the complement: ERCC6 is on the minus strand). VCF-style: chr10-49459145-G-C. GRCh37 (hg19) VCF-style: chr10-50667191-G-C.
Other names: c.4152C>G, p.Leu1384= (NM_001346440.2); c.4152C>G (NM_000124.3).
Identifiers: ClinVar variation 1121435 (VCV001121435.12), dbSNP rs765804876, ClinGen allele CA5495163.
Genomic context (GRCh38, chr10:49,459,145, plus strand): 5'-ACGCTCTGGCAGAATCAGGTGGTTTCTAGCTCTCATTTTAGCCAAGAGTGAGGAGGAAGC[G>C]AGGGGCCCGGATGAAGAGTCTGCATCTTCTGCTCTTCCACTAAAATGCTCAGGGACATTA-3'
Protein context (NP_000115.1, residues 1374-1394): AEDADSSSGP[Leu1384=]ASSSLLAKMR